The following is an entry in ClinVar:

ClinVar aggregate classification (germline): Uncertain significance (1 of 4 stars; one submission).

Conditions:
Hereditary sensory neuropathy-deafness-dementia syndrome. Also called: Hereditary sensory neuropathy type IE; NEUROPATHY, HEREDITARY SENSORY, WITH HEARING LOSS AND DEMENTIA; Hereditary Sensory and Autonomic Neuropathy Type 1E (HSAN1E); HSN IE. Identifiers: Orphanet 456318, MedGen C3279885, MONDO:0013584, OMIM 614116.

Allele frequency attached by ClinVar (database versions not stated): gnomAD 0.00001; gnomAD exomes 0.00001; TOPMed 0.00002.
gnomAD v4.1: 10 of 1,613,618 alleles (0.00062%); highest among the groups gnomAD compares: East Asian, 0.0045%; no homozygotes.

Submission:

Labcorp Genetics (formerly Invitae), Labcorp
Classification: Uncertain significance for Hereditary sensory neuropathy-deafness-dementia syndrome. Last evaluated: 2019-12-15. Review status: criteria provided, single submitter. Criteria: Invitae Variant Classification Sherloc (09022015). Collection method: clinical testing. Allele origin: germline.
Comment: Algorithms developed to predict the effect of missense changes on protein structure and function are either unavailable or do not agree on the potential impact of this missense change (SIFT: "Deleterious"; PolyPhen-2: "Probably Damaging"; Align-GVGD: "Class C15"). In summary, the available evidence is currently insufficient to determine the role of this variant in disease. Therefore, it has been classified as a Variant of Uncertain Significance. Algorithms developed to predict the effect of sequence changes on RNA splicing suggest that this variant may create or strengthen a splice site, but this prediction has not been confirmed by published transcriptional studies. This variant has been observed in individual(s) with clinical features of hereditary sensory and autonomic neuropathy (Invitae). This variant is not present in population databases (ExAC no frequency). This sequence change replaces glycine with arginine at codon 751 of the DNMT1 protein (p.Gly751Arg). The glycine residue is highly conserved and there is a moderate physicochemical difference between glycine and arginine.

NM_001130823.3(DNMT1):c.2251G>A (p.Gly751Arg)

Gene: DNMT1 (DNA methyltransferase 1; minus strand). Cytogenetic location: 19p13.2.
Variant type: single nucleotide variant.
Coding change: c.2251G>A on transcript NM_001130823.3 (MANE Select); coding-DNA position 2251, G replaced by A.
Protein change: p.Gly751Arg; replaces glycine 751 with arginine.
Molecular consequence: missense variant.
Genome position (GRCh38, 1-based): chr19:10,151,412, C>T on the plus strand (G>A on the coding strand, the complement: DNMT1 is on the minus strand). VCF-style: chr19-10151412-C-T. GRCh37 (hg19) VCF-style: chr19-10262088-C-T.
Other names: c.2203G>A, p.Gly735Arg (NM_001318730.2, NM_001379.4); c.1888G>A, p.Gly630Arg (NM_001318731.2); short protein forms G735R, G751R, G630R.
Identifiers: ClinVar variation 853309 (VCV000853309.9), dbSNP rs1381758934, ClinGen allele CA403930480.
Genomic context (GRCh38, chr19:10,151,412, plus strand): 5'-TATTGGGAACATGGCAGTGAGCTGACCAAGGGGCTCCAAGGGTTACCTTGACGGCTTCTC[C>T]GACCCAAGAGATGCGATTCTTGTTCTGTTTCTTCTTCTTCCCCTGGTGCATTTTTTTGGG-3'
Protein context (NP_001124295.1, residues 741-761): KQNKNRISWV[Gly751Arg]EAVKTDGKKS